The following is an entry in ClinVar:

NM_032638.5(GATA2):c.495C>T (p.His165=)

Gene: GATA2 (GATA binding protein 2; minus strand). Cytogenetic location: 3q21.3.
Variant type: single nucleotide variant.
Coding change: c.495C>T on transcript NM_032638.5 (MANE Select); coding-DNA position 495, C replaced by T.
Protein change: p.His165=; no amino-acid change (histidine 165 retained).
Molecular consequence: synonymous variant.
Genome position (GRCh38, 1-based): chr3:128,486,103, G>A on the plus strand (C>T on the coding strand, the complement: GATA2 is on the minus strand). VCF-style: chr3-128486103-G-A. GRCh37 (hg19) VCF-style: chr3-128204946-G-A.
Other names: c.495C>T (NM_032638.4); c.495C>T, p.His165= (NM_001145661.2, NM_001145662.1).
Identifiers: ClinVar variation 1112112 (VCV001112112.11), dbSNP rs887833751, ClinGen allele CA83371971.

ClinVar aggregate classification (germline): Conflicting classifications of pathogenicity. Review status: criteria provided, conflicting classifications (1 of 4 stars). 3 submissions from 3 submitters: Uncertain significance (1); Likely benign (2). Last evaluated 2025-02-08.

Conditions:
Inborn genetic diseases. Identifiers: MedGen C0950123, MeSH D030342.
Monocytopenia with susceptibility to infections. Also called: MONOCYTOPENIA AND MYCOBACTERIAL INFECTION SYNDROME; MONOCYTOPENIA WITH SUSCEPTIBILITY TO MYCOBACTERIAL, FUNGAL, AND PAPILLOMAVIRUS INFECTIONS AND MYELODYSPLASIA; COMBINED IMMUNODEFICIENCY WITH SUSCEPTIBILITY TO MYCOBACTERIAL, VIRAL, AND FUNGAL INFECTIONS; Dendritic cell, monocyte, B lymphocyte, and natural killer lymphocyte deficiency; IMMUNODEFICIENCY 21; GATA2 DEFICIENCY. Identifiers: Orphanet 228423, MedGen C3280030, MONDO:0013607, OMIM 614172.
Deafness-lymphedema-leukemia syndrome. Also called: Emberger syndrome; Lymphedema, primary, with myelodysplasia. Identifiers: Orphanet 3226, MedGen C3279664, MONDO:0013540, OMIM 614038.

Allele frequency attached by ClinVar (database versions not stated): gnomAD exomes below 0.00001.

Submissions (3):

Ambry Genetics
Classification: Likely benign for Inborn genetic diseases. Last evaluated: 2025-02-08. Review status: criteria provided, single submitter. Criteria: Ambry Variant Classification Scheme 2023. Collection method: clinical testing. Allele origin: germline.

GeneDx
Classification: Uncertain significance. Last evaluated: 2024-03-13. Review status: criteria provided, single submitter. Criteria: GeneDx Variant Classification Process June 2021. Collection method: clinical testing. Allele origin: germline. Affected: yes.
Comment: Not observed at significant frequency in large population cohorts (gnomAD); In silico analysis supports that this variant does not alter splicing; Has not been previously published as pathogenic or benign to our knowledge

Labcorp Genetics (formerly Invitae), Labcorp
Classification: Likely benign for Monocytopenia with susceptibility to infections; Deafness-lymphedema-leukemia syndrome. Last evaluated: 2023-11-11. Review status: criteria provided, single submitter. Criteria: Invitae Variant Classification Sherloc (09022015). Collection method: clinical testing. Allele origin: germline.